The following is an entry in ClinVar:

NM_001134407.3(GRIN2A):c.1122+253T>C

Gene: GRIN2A (glutamate ionotropic receptor NMDA type subunit 2A; minus strand). Cytogenetic location: 16p13.2.
Variant type: single nucleotide variant.
Coding change: c.1122+253T>C on transcript NM_001134407.3 (MANE Select); 253 bases into the intron after coding-DNA position 1122, T replaced by C.
Molecular consequence: intron variant.
Genome position (GRCh38, 1-based): chr16:9,890,733, A>G on the plus strand (T>C on the coding strand, the complement: GRIN2A is on the minus strand). VCF-style: chr16-9890733-A-G. GRCh37 (hg19) VCF-style: chr16-9984590-A-G.
Other names: c.1122+253T>C (NM_001134408.2, NM_000833.5).
Identifiers: ClinVar variation 672947 (VCV000672947.1), dbSNP rs144254822, ClinGen allele CA278188124.

ClinVar aggregate classification (germline): Likely benign (1 of 4 stars; one submission).

Allele frequency attached by ClinVar (database versions not stated): gnomAD 0.01111 and 0.01177; 1000 Genomes Project 0.01138; TOPMed 0.01260; 1000 Genomes Project 30x 0.01343.
gnomAD v4.1: 1,684 of 152,316 alleles (1.1%); highest among the groups gnomAD compares: African/African-American, 3.3%; 24 homozygotes.

Submission:

GeneDx
Classification: Likely benign. Last evaluated: 2018-06-14. Review status: criteria provided, single submitter. Criteria: GeneDx Variant Classification (06012015). Collection method: clinical testing. Allele origin: germline. Affected: yes.
Comment: This variant is considered likely benign or benign based on one or more of the following criteria: it is a conservative change, it occurs at a poorly conserved position in the protein, it is predicted to be benign by multiple in silico algorithms, and/or has population frequency not consistent with disease.